The following is an entry in ClinVar:

ClinVar aggregate classification (germline): Uncertain significance (1 of 4 stars; one submission).

Conditions:
Neuroblastoma, susceptibility to, 3. Also called: ALK-Related Neuroblastic Tumor Susceptibility. Identifiers: Orphanet 635, MedGen C2751681, MONDO:0013083, OMIM 613014.

Submission:

Labcorp Genetics (formerly Invitae), Labcorp
Classification: Uncertain significance for Neuroblastoma, susceptibility to, 3. Last evaluated: 2025-12-31. Review status: criteria provided, single submitter. Criteria: Invitae Variant Classification Sherloc (09022015). Collection method: clinical testing. Allele origin: germline.
Comment: This sequence change replaces isoleucine, which is neutral and non-polar, with methionine, which is neutral and non-polar, at codon 4 of the ALK protein (p.Ile4Met). This variant is not present in population databases (gnomAD no frequency). This variant has not been reported in the literature in individuals affected with ALK-related conditions. An algorithm developed to predict the effect of missense changes on protein structure and function outputs the following: PolyPhen-2: "Benign". The methionine amino acid residue is found in multiple mammalian species, which suggests that this missense change does not adversely affect protein function. In summary, the available evidence is currently insufficient to determine the role of this variant in disease. Therefore, it has been classified as a Variant of Uncertain Significance.

NM_004304.5(ALK):c.12C>G (p.Ile4Met)

Gene: ALK (ALK receptor tyrosine kinase; minus strand). Cytogenetic location: 2p23.1.
Variant type: single nucleotide variant.
Coding change: c.12C>G on transcript NM_004304.5 (MANE Select); coding-DNA position 12, C replaced by G.
Protein change: p.Ile4Met; replaces isoleucine 4 with methionine.
Molecular consequence: missense variant.
Genome position (GRCh38, 1-based): chr2:29,920,648, G>C on the plus strand (C>G on the coding strand, the complement: ALK is on the minus strand). VCF-style: chr2-29920648-G-C. GRCh37 (hg19) VCF-style: chr2-30143514-G-C.
Other names: short protein forms I4M.
Identifiers: ClinVar variation 4740268 (VCV004740268.1).